The following is an entry in ClinVar:

NM_153676.4(USH1C):c.463C>T (p.Arg155Ter)

Gene: USH1C (USH1 protein network component harmonin; minus strand). Cytogenetic location: 11p15.1.
Variant type: single nucleotide variant.
Coding change: c.463C>T on transcript NM_153676.4 (MANE Select); coding-DNA position 463, C replaced by T.
Protein change: p.Arg155Ter; replaces arginine 155 with a stop codon.
Molecular consequence: nonsense. On other transcripts: non-coding transcript variant (1).
Genome position (GRCh38, 1-based): chr11:17,527,256, G>A on the plus strand (C>T on the coding strand, the complement: USH1C is on the minus strand). VCF-style: chr11-17527256-G-A. GRCh37 (hg19) VCF-style: chr11-17548803-G-A.
Other names: c.463C>T, p.Arg155Ter (NM_001297764.2, NM_005709.4); short protein forms R155*.
Identifiers: ClinVar variation 371731 (VCV000371731.11), dbSNP rs377145777, ClinGen allele CA5905040.

ClinVar aggregate classification (germline): Pathogenic. Review status: criteria provided, multiple submitters, no conflicts (2 of 4 stars). 6 submissions from 5 submitters: Pathogenic (3). 3 of the submissions do not count toward it. Last evaluated 2024-03-07.

Conditions:
USH1C-related disorder. Also called: USH1C-related condition.
Hearing loss, autosomal recessive. Also called: Autosomal recessive nonsyndromic deafness; Rare autosomal recessive non-syndromic sensorineural deafness type DFNB; Deafness, autosomal recessive; Nonsyndromic Hearing Loss, Recessive. Identifiers: Orphanet 90635, Orphanet 90636, MedGen C1846647, MONDO:0019588, OMIM 607197.
Usher syndrome type 1C. Also called: USHER SYNDROME, TYPE I, ACADIAN VARIETY. Identifiers: Orphanet 231169, Orphanet 886, MedGen C1848604, MONDO:0010171, OMIM 276904.
Autosomal recessive nonsyndromic hearing loss 18A. Also called: Deafness, autosomal recessive 18A; DEAFNESS, AUTOSOMAL RECESSIVE 18. Identifiers: Orphanet 90636, MedGen C1865870, MONDO:0011192, OMIM 602092.

Allele frequency attached by ClinVar (database versions not stated): ExAC 0.00001; gnomAD 0.00001; gnomAD exomes 0.00001; TOPMed 0.00002; ESP Exome Variant Server 0.00008.
gnomAD v4.1: 11 of 1,610,968 alleles (0.00068%); highest among the groups gnomAD compares: Non-Finnish European, 0.00093%; no homozygotes.

Submissions (6):

Labcorp Genetics (formerly Invitae), Labcorp
Classification: Pathogenic. Last evaluated: 2024-03-07. Review status: criteria provided, single submitter. Criteria: Invitae Variant Classification Sherloc (09022015). Collection method: clinical testing. Allele origin: germline.
Comment: This sequence change creates a premature translational stop signal (p.Arg155*) in the USH1C gene. It is expected to result in an absent or disrupted protein product. Loss-of-function variants in USH1C are known to be pathogenic (PMID: 10973247, 17407589, 20301442, 21203349). This variant is present in population databases (rs377145777, gnomAD 0.002%). This premature translational stop signal has been observed in individual(s) with Usher syndrome (PMID: 17407589, 25356976, 27460420). ClinVar contains an entry for this variant (Variation ID: 371731). For these reasons, this variant has been classified as Pathogenic.

Baylor Genetics
Classification: Pathogenic for Autosomal recessive nonsyndromic hearing loss 18A. Last evaluated: 2023-09-06. Review status: criteria provided, single submitter. Criteria: ACMG Guidelines, 2015. Collection method: clinical testing. Allele origin: unknown.

Blueprint Genetics
Classification: Pathogenic for USH1C-related disorders. Last evaluated: 2021-10-14. Review status: criteria provided, single submitter. Criteria: ACMG Guidelines, 2015. Collection method: clinical testing. Allele origin: germline. Affected: yes. Observed: 2 variant alleles.

Counsyl
Classification: Likely pathogenic for Usher syndrome type 1C. Last evaluated: 2016-11-02. Review status: no assertion criteria provided. Collection method: clinical testing. Allele origin: unknown. Not counted in ClinVar's aggregate classification.

Counsyl
Classification: Likely pathogenic for Autosomal recessive nonsyndromic hearing loss 18A. Last evaluated: 2016-11-02. Review status: no assertion criteria provided. Collection method: clinical testing. Allele origin: unknown. Not counted in ClinVar's aggregate classification.

University of Washington Center for Mendelian Genomics, University of Washington
Classification: Likely pathogenic for non-syndromic autosomal recessive hearing loss. Review status: no assertion criteria provided. Collection method: research. Allele origin: inherited. Affected: yes. Not counted in ClinVar's aggregate classification.

Literature cited by the submitters: PubMed 10973247 (cited by Labcorp Genetics (formerly Invitae), Labcorp); PubMed 17407589 (cited by Labcorp Genetics (formerly Invitae), Labcorp and Counsyl); PubMed 20301442 (cited by Labcorp Genetics (formerly Invitae), Labcorp); PubMed 21203349 (cited by Labcorp Genetics (formerly Invitae), Labcorp); PubMed 25356976 (cited by Labcorp Genetics (formerly Invitae), Labcorp and Counsyl); PubMed 27460420 (cited by Labcorp Genetics (formerly Invitae), Labcorp); PubMed 25525159 (cited by Counsyl); PubMed 25468891 (cited by Counsyl); PubMed 30303587 (cited by University of Washington Center for Mendelian Genomics, University of Washington).